The following is an entry in ClinVar:

ClinVar aggregate classification (germline): Uncertain significance. Review status: criteria provided, multiple submitters, no conflicts (2 of 4 stars). 2 submissions from 2 submitters: Uncertain significance (2). Last evaluated 2024-07-30.

Allele frequency attached by ClinVar (database versions not stated): gnomAD 0.00001; gnomAD exomes 0.00001; TOPMed 0.00002; ExAC 0.00003.
gnomAD v4.1: 21 of 1,612,166 alleles (0.0013%); highest among the groups gnomAD compares: East Asian, 0.031%; no homozygotes.

Submissions (2):

Labcorp Genetics (formerly Invitae), Labcorp
Classification: Uncertain significance. Last evaluated: 2024-07-30. Review status: criteria provided, single submitter. Criteria: Invitae Variant Classification Sherloc (09022015). Collection method: clinical testing. Allele origin: germline.
Comment: This sequence change replaces phenylalanine, which is neutral and non-polar, with leucine, which is neutral and non-polar, at codon 266 of the POLG2 protein (p.Phe266Leu). This variant is present in population databases (rs55768876, gnomAD 0.03%). This missense change has been observed in individual(s) with clinical features of progressive external ophthalmoplegia with mitochondrial DNA deletions (PMID: 35571021). An algorithm developed to predict the effect of missense changes on protein structure and function (PolyPhen-2) suggests that this variant is likely to be disruptive. In summary, the available evidence is currently insufficient to determine the role of this variant in disease. Therefore, it has been classified as a Variant of Uncertain Significance.

Mayo Clinic Laboratories, Mayo Clinic
Classification: Uncertain significance. Last evaluated: 2023-07-10. Review status: criteria provided, single submitter. Criteria: ACMG Guidelines, 2015. Collection method: clinical testing. Allele origin: germline. Observed: 1 variant allele.
Comment: PM2_moderate

Literature cited by the submitters: PubMed 35571021 (cited by Labcorp Genetics (formerly Invitae), Labcorp and Mayo Clinic Laboratories, Mayo Clinic).

NM_007215.4(POLG2):c.798T>G (p.Phe266Leu)

Genes: MILR1 (mast cell immunoglobulin like receptor 1; plus strand), POLG2 (DNA polymerase gamma 2, accessory subunit; minus strand). Cytogenetic location: 17q23.3.
Variant type: single nucleotide variant.
Coding change: c.798T>G on transcript NM_007215.4 (MANE Select); coding-DNA position 798, T replaced by G.
Protein change: p.Phe266Leu; replaces phenylalanine 266 with leucine.
Molecular consequence: missense variant.
Genome position (GRCh38, 1-based): chr17:64,490,967, A>C on the plus strand (T>G on the coding strand, the complement: POLG2 is on the minus strand). VCF-style: chr17-64490967-A-C. GRCh37 (hg19) VCF-style: chr17-62487084-A-C.
Other names: p.Phe266Leu; short protein forms F266L.
Identifiers: ClinVar variation 2998698 (VCV002998698.4), dbSNP rs55768876, ClinGen allele CA8712911.